The following is an entry in ClinVar:

NM_000059.4(BRCA2):c.1981_1984dup (p.Ser662Ter)

Gene: BRCA2 (BRCA2 DNA repair associated; plus strand). Cytogenetic location: 13q13.1.
Variant type: Duplication.
Coding change: c.1981_1984dup on transcript NM_000059.4 (MANE Select); coding-DNA positions 1981 to 1984, 4 bases duplicated (AGCT; older notation c.1981_1984dupAGCT).
Protein change: p.Ser662Ter; replaces serine 662 with a stop codon.
Molecular consequence: nonsense.
Genome position (GRCh38, 1-based): chr13:32,336,336-32,336,339, AGCT duplicated; duplicating any 4 consecutive bases within chr13:32,336,334-32,336,339 gives the same sequence; the c. name uses the placement nearest the transcript's 3' end. VCF-style (leftmost placement, unchanged base first): chr13-32336333-A-ACTAG. GRCh37 (hg19) VCF-style: chr13-32910470-A-ACTAG.
Other names: 2207_2210dup; short protein forms S662*.
Identifiers: ClinVar variation 266671 (VCV000266671.5), dbSNP rs886040399, ClinGen allele CA10589130.

ClinVar aggregate classification (germline): Pathogenic. Review status: reviewed by expert panel (3 of 4 stars). 2 submissions from 2 submitters: Pathogenic (1). 1 of the submissions does not count toward it. Last evaluated 2016-10-18.

Conditions:
Breast-ovarian cancer, familial, susceptibility to, 2 (BROVCA2). Also called: BRCA2 Hereditary Breast and Ovarian Cancer. Identifiers: Orphanet 145, MedGen C2675520, MONDO:0012933, OMIM 612555. Disease mechanism: loss of function.

Submissions (2):

Evidence-based Network for the Interpretation of Germline Mutant Alleles (ENIGMA)
Classification: Pathogenic for Breast-ovarian cancer, familial, susceptibility to, 2. Last evaluated: 2016-10-18. Review status: reviewed by expert panel. Criteria: ENIGMA BRCA1/2 Classification Criteria (2015). Collection method: curation. Allele origin: germline.
Comment: Variant allele predicted to encode a truncated non-functional protein.

Consortium of Investigators of Modifiers of BRCA1/2 (CIMBA), c/o University of Cambridge
Classification: Pathogenic for Breast-ovarian cancer, familial, susceptibility to, 2. Last evaluated: 2015-10-02. Review status: criteria provided, single submitter. Criteria: CIMBA Mutation Classification guidelines May 2016. Collection method: clinical testing. Allele origin: germline. Not counted in ClinVar's aggregate classification.